The following is an entry in ClinVar:

ClinVar aggregate classification (germline): Uncertain significance (1 of 4 stars; one submission).

Conditions:
Immunodeficiency 25. Also called: Immunodeficiency due to defect in cd3-zeta, somatic. Identifiers: MedGen C1857798, MONDO:0012426, OMIM 610163.

Allele frequency attached by ClinVar (database versions not stated): gnomAD exomes below 0.00001 and 0.00001; TOPMed below 0.00001; gnomAD 0.00001.
gnomAD v4.1: 5 of 1,613,740 alleles (0.00031%); highest among the groups gnomAD compares: Non-Finnish European, 0.00034%; no homozygotes.

Submission:

Labcorp Genetics (formerly Invitae), Labcorp
Classification: Uncertain significance for Immunodeficiency 25. Last evaluated: 2021-09-01. Review status: criteria provided, single submitter. Criteria: Invitae Variant Classification Sherloc (09022015). Collection method: clinical testing. Allele origin: germline.
Comment: This sequence change replaces glycine with arginine at codon 97 of the CD247 protein (p.Gly97Arg). The glycine residue is highly conserved and there is a moderate physicochemical difference between glycine and arginine. This variant is not present in population databases (ExAC no frequency). This variant has not been reported in the literature in individuals affected with CD247-related conditions. Algorithms developed to predict the effect of missense changes on protein structure and function are either unavailable or do not agree on the potential impact of this missense change (SIFT: "Deleterious"; PolyPhen-2: "Possibly Damaging"; Align-GVGD: "Class C0"). In summary, the available evidence is currently insufficient to determine the role of this variant in disease. Therefore, it has been classified as a Variant of Uncertain Significance.

NM_198053.3(CD247):c.289G>A (p.Gly97Arg)

Gene: CD247 (CD247 molecule; minus strand). Cytogenetic location: 1q24.2.
Variant type: single nucleotide variant.
Coding change: c.289G>A on transcript NM_198053.3 (MANE Select); coding-DNA position 289, G replaced by A.
Protein change: p.Gly97Arg; replaces glycine 97 with arginine.
Molecular consequence: missense variant.
Genome position (GRCh38, 1-based): chr1:167,438,581, C>T on the plus strand (G>A on the coding strand, the complement: CD247 is on the minus strand). VCF-style: chr1-167438581-C-T. GRCh37 (hg19) VCF-style: chr1-167407818-C-T.
Other names: c.289G>A, p.Gly97Arg (NM_000734.4); c.382G>A, p.Gly128Arg (NM_001378515.1, NM_001378516.1); short protein forms G97R, G128R.
Identifiers: ClinVar variation 1416361 (VCV001416361.5), dbSNP rs56297636, ClinGen allele CA31992005.